The following is an entry in ClinVar:

ClinVar aggregate classification (germline): Uncertain significance (1 of 4 stars; one submission).

Conditions:
Neuroblastoma, susceptibility to, 3. Also called: ALK-Related Neuroblastic Tumor Susceptibility. Identifiers: Orphanet 635, MedGen C2751681, MONDO:0013083, OMIM 613014.

Submission:

Labcorp Genetics (formerly Invitae), Labcorp
Classification: Uncertain significance for Neuroblastoma, susceptibility to, 3. Last evaluated: 2022-03-12. Review status: criteria provided, single submitter. Criteria: Invitae Variant Classification Sherloc (09022015). Collection method: clinical testing. Allele origin: germline.
Comment: In summary, the available evidence is currently insufficient to determine the role of this variant in disease. Therefore, it has been classified as a Variant of Uncertain Significance. ClinVar contains an entry for this variant (Variation ID: 470885). This variant has not been reported in the literature in individuals affected with ALK-related conditions. This variant is not present in population databases (gnomAD no frequency). This sequence change creates a premature translational stop signal (p.Glu160Argfs*26) in the ALK gene. It is expected to result in an absent or disrupted protein product. However, the current clinical and genetic evidence is not sufficient to establish whether loss-of-function variants in ALK cause disease.

NM_004304.5(ALK):c.474del (p.Glu160fs)

Gene: ALK (ALK receptor tyrosine kinase; minus strand). Cytogenetic location: 2p23.1.
Variant type: Deletion.
Coding change: c.474del on transcript NM_004304.5 (MANE Select); coding-DNA position 474, one base deleted (C; older notation c.474delC).
Protein change: p.Glu160fs; shifts the reading frame from glutamic acid 160.
Molecular consequence: frameshift variant.
Genome position (GRCh38, 1-based): chr2:29,920,186, G deleted on the plus strand (C on the coding strand, the reverse complement: ALK is on the minus strand); the first of 6 consecutive G bases (chr2:29,920,186-29,920,191); deleting any one gives the same sequence. VCF-style (leftmost placement, unchanged base first): chr2-29920185-CG-C. GRCh37 (hg19) VCF-style: chr2-30143051-CG-C.
Other names: short protein forms E160fs.
Identifiers: ClinVar variation 470885 (VCV000470885.8), dbSNP rs1244823020, ClinGen allele CA346589977.
Genomic context (GRCh38, chr2:29,920,185, plus strand): 5'-GAATCCACCAACTGAACAGCTCGCTGAGATTGAACTGGAGCAGCCCCACAGCCGCCTCCC[CG>C]GGGGGCCCGACGCAACCCTCCAAGATCGCCTCCTCGCCCAGCTCCAGCACCAACTGCTTG-3'